The following is an entry in ClinVar:

NM_020831.6(MRTFA):c.2737C>T (p.Arg913Cys)

Gene: MRTFA (myocardin related transcription factor A; minus strand). Cytogenetic location: 22q13.1.
Variant type: single nucleotide variant.
Coding change: c.2737C>T on transcript NM_020831.6 (MANE Select); coding-DNA position 2737, C replaced by T.
Protein change: p.Arg913Cys; replaces arginine 913 with cysteine.
Molecular consequence: missense variant. On other transcripts: 3 prime UTR variant (1).
Genome position (GRCh38, 1-based): chr22:40,411,749, G>A on the plus strand (C>T on the coding strand, the complement: MRTFA is on the minus strand). VCF-style: chr22-40411749-G-A. GRCh37 (hg19) VCF-style: chr22-40807753-G-A.
Other names: c.2437C>T (NM_020831.3); c.2437C>T, p.Arg813Cys (NM_001282660.2); c.2587C>T, p.Arg863Cys (NM_001282661.3); c.*50C>T (NM_001282662.3); c.2542C>T, p.Arg848Cys (NM_001318139.2); short protein forms R813C, R848C, R863C, R913C.
Identifiers: ClinVar variation 1682928 (VCV001682928.10), dbSNP rs575546439, ClinGen allele CA10249224.

ClinVar aggregate classification (germline): Uncertain significance. Review status: criteria provided, multiple submitters, no conflicts (2 of 4 stars). 3 submissions from 3 submitters: Uncertain significance (3). Last evaluated 2026-01-24.

Allele frequency attached by ClinVar (database versions not stated): 1000 Genomes Project 30x 0.00047; 1000 Genomes Project 0.00060.
gnomAD v4.1: 123 of 1,546,662 alleles (0.008%); highest among the groups gnomAD compares: East Asian, 0.052%; no homozygotes.

Submissions (3):

Labcorp Genetics (formerly Invitae), Labcorp
Classification: Uncertain significance. Last evaluated: 2026-01-24. Review status: criteria provided, single submitter. Criteria: Invitae Variant Classification Sherloc (09022015). Collection method: clinical testing. Allele origin: germline.
Comment: This sequence change replaces arginine, which is basic and polar, with cysteine, which is neutral and slightly polar, at codon 813 of the MKL1 protein (p.Arg813Cys). This variant is present in population databases (rs575546439, gnomAD 0.08%), and has an allele count higher than expected for a pathogenic variant. This variant has not been reported in the literature in individuals affected with MKL1-related conditions. ClinVar contains an entry for this variant (Variation ID: 1682928). An algorithm developed to predict the effect of missense changes on protein structure and function (PolyPhen-2) suggests that this variant is likely to be disruptive. In summary, the available evidence is currently insufficient to determine the role of this variant in disease. Therefore, it has been classified as a Variant of Uncertain Significance.

Blueprint Genetics
Classification: Uncertain significance. Last evaluated: 2024-11-21. Review status: criteria provided, single submitter. Criteria: ACMG Guidelines, 2015. Collection method: clinical testing. Allele origin: germline.

Ambry Genetics
Classification: Uncertain significance. Last evaluated: 2024-01-12. Review status: criteria provided, single submitter. Criteria: Ambry Variant Classification Scheme 2023. Collection method: clinical testing. Allele origin: germline.